The following is an entry in ClinVar:

NM_006445.4(PRPF8):c.6650+4G>A

Gene: PRPF8 (pre-mRNA processing factor 8; minus strand). Cytogenetic location: 17p13.3.
Variant type: single nucleotide variant.
Coding change: c.6650+4G>A on transcript NM_006445.4 (MANE Select); 4 bases into the intron after coding-DNA position 6650, G replaced by A.
Molecular consequence: intron variant.
Genome position (GRCh38, 1-based): chr17:1,651,410, C>T on the plus strand (G>A on the coding strand, the complement: PRPF8 is on the minus strand). VCF-style: chr17-1651410-C-T. GRCh37 (hg19) VCF-style: chr17-1554704-C-T.
Identifiers: ClinVar variation 1938009 (VCV001938009.5), dbSNP rs929850783, ClinGen allele CA286850237.

ClinVar aggregate classification (germline): Uncertain significance (1 of 4 stars; one submission).

Allele frequency attached by ClinVar (database versions not stated): gnomAD 0.00001; gnomAD exomes 0.00001; TOPMed 0.00002.
gnomAD v4.1: 11 of 1,613,994 alleles (0.00068%); highest among the groups gnomAD compares: African/African-American, 0.0067%; no homozygotes.

Submission:

Labcorp Genetics (formerly Invitae), Labcorp
Classification: Uncertain significance. Last evaluated: 2024-07-31. Review status: criteria provided, single submitter. Criteria: Invitae Variant Classification Sherloc (09022015). Collection method: clinical testing. Allele origin: germline.
Comment: This sequence change falls in intron 41 of the PRPF8 gene. It does not directly change the encoded amino acid sequence of the PRPF8 protein. It affects a nucleotide within the consensus splice site. This variant is present in population databases (no rsID available, gnomAD 0.007%). This variant has not been reported in the literature in individuals affected with PRPF8-related conditions. ClinVar contains an entry for this variant (Variation ID: 1938009). Variants that disrupt the consensus splice site are a relatively common cause of aberrant splicing (PMID: 17576681, 9536098). Algorithms developed to predict the effect of sequence changes on RNA splicing suggest that this variant is not likely to affect RNA splicing. In summary, the available evidence is currently insufficient to determine the role of this variant in disease. Therefore, it has been classified as a Variant of Uncertain Significance.

Literature cited by the submitters: PubMed 17576681; PubMed 9536098.